The following is an entry in ClinVar:

NM_001033855.3(DCLRE1C):c.1315G>C (p.Glu439Gln)

Gene: DCLRE1C (DNA cross-link repair 1C; minus strand). Cytogenetic location: 10p13.
Variant type: single nucleotide variant.
Coding change: c.1315G>C on transcript NM_001033855.3 (MANE Select); coding-DNA position 1315, G replaced by C.
Protein change: p.Glu439Gln; replaces glutamic acid 439 with glutamine.
Molecular consequence: missense variant. On other transcripts: non-coding transcript variant (4).
Genome position (GRCh38, 1-based): chr10:14,909,172, C>G on the plus strand (G>C on the coding strand, the complement: DCLRE1C is on the minus strand). VCF-style: chr10-14909172-C-G. GRCh37 (hg19) VCF-style: chr10-14951171-C-G.
Other names: c.955G>C, p.Glu319Gln (NM_001033857.3, NM_001033858.3, NM_001289077.2 and 2 more transcripts); c.970G>C, p.Glu324Gln (NM_001289076.2, NM_001289078.2, NM_001350966.2 and 1 more transcripts); c.1315G>C, p.Glu439Gln (NM_001350965.2); short protein forms E324Q, E439Q, E319Q.
Identifiers: ClinVar variation 4708794 (VCV004708794.2).

ClinVar aggregate classification (germline): Uncertain significance. Review status: criteria provided, multiple submitters, no conflicts (2 of 4 stars). 2 submissions from 2 submitters: Uncertain significance (2). Last evaluated 2025-09-26.

Conditions:
Severe combined immunodeficiency due to DCLRE1C deficiency (RS-SCID). Also called: SCID, AUTOSOMAL RECESSIVE, T CELL-NEGATIVE, B CELL-NEGATIVE, NK CELL-POSITIVE, WITH SENSITIVITY TO IONIZING RADIATION. Identifiers: Orphanet 275, MedGen C1865371, MONDO:0011225, OMIM 602450.

gnomAD v4.1: 7 of 1,614,228 alleles (0.00043%); highest among the groups gnomAD compares: Non-Finnish European, 0.00059%; no homozygotes.

Submissions (2):

Labcorp Genetics (formerly Invitae), Labcorp
Classification: Uncertain significance for Athabaskan severe combined immunodeficiency. Last evaluated: 2025-09-26. Review status: criteria provided, single submitter. Criteria: Invitae Variant Classification Sherloc (09022015). Collection method: clinical testing. Allele origin: germline.
Comment: This sequence change replaces glutamic acid, which is acidic and polar, with glutamine, which is neutral and polar, at codon 439 of the DCLRE1C protein (p.Glu439Gln). This variant is present in population databases (rs753674918, gnomAD 0.0009%). This variant has not been reported in the literature in individuals affected with DCLRE1C-related conditions. Invitae Evidence Modeling of protein sequence and biophysical properties (such as structural, functional, and spatial information, amino acid conservation, physicochemical variation, residue mobility, and thermodynamic stability) indicates that this missense variant is not expected to disrupt DCLRE1C protein function with a negative predictive value of 80%. In summary, the available evidence is currently insufficient to determine the role of this variant in disease. Therefore, it has been classified as a Variant of Uncertain Significance.

Blueprint Genetics
Classification: Uncertain significance. Last evaluated: 2024-07-09. Review status: criteria provided, single submitter. Criteria: ACMG Guidelines, 2015. Collection method: clinical testing. Allele origin: germline.